The following is an entry in ClinVar:

ClinVar aggregate classification (germline): Likely benign (1 of 4 stars; one submission).

Allele frequency attached by ClinVar (database versions not stated): gnomAD 0.00021; gnomAD exomes 0.00023; ExAC 0.00031; ESP Exome Variant Server 0.00008; TOPMed 0.00013.
gnomAD v4.1: 370 of 1,613,776 alleles (0.023%); highest among the groups gnomAD compares: Non-Finnish European, 0.025%; no homozygotes.

Submission:

CeGaT Center for Human Genetics Tuebingen
Classification: Likely benign. Last evaluated: 2023-11-01. Review status: criteria provided, single submitter. Criteria: CeGaT Center For Human Genetics Tuebingen Variant Classification Criteria Version 2. Collection method: clinical testing. Allele origin: germline. Affected: yes. Observed: 1 variant allele.
Comment: DCLK2: BP4, BP7

NM_001040260.4(DCLK2):c.1302A>G (p.Glu434=)

Gene: DCLK2 (doublecortin like kinase 2; plus strand). Cytogenetic location: 4q31.3.
Variant type: single nucleotide variant.
Coding change: c.1302A>G on transcript NM_001040260.4 (MANE Select); coding-DNA position 1302, A replaced by G.
Protein change: p.Glu434=; no amino-acid change (glutamic acid 434 retained).
Molecular consequence: synonymous variant. On other transcripts: non-coding transcript variant (1).
Genome position (GRCh38, 1-based): chr4:150,232,339, A>G. VCF-style: chr4-150232339-A-G. GRCh37 (hg19) VCF-style: chr4-151153491-A-G.
Other names: c.1353A>G, p.Glu451= (NM_001040261.5); c.1299A>G, p.Glu433= (NM_001410852.1).
Identifiers: ClinVar variation 2672999 (VCV002672999.23), dbSNP rs376121966, ClinGen allele CA3100933.